The following is an entry in ClinVar:

ClinVar aggregate classification (germline): Likely benign. Review status: reviewed by expert panel (3 of 4 stars). 20 submissions from 18 submitters: Likely benign (1). 19 of the submissions do not count toward it. Last evaluated 2025-11-14.

Conditions:
Cardiovascular phenotype. Identifiers: MedGen CN230736.
MYBPC3-related disorder. Also called: MYBPC3-related disorders; MYBPC3-related condition; MYBPC3-related disease.
Left ventricular noncompaction 10 (LVNC10). Identifiers: Orphanet 154, Orphanet 54260, MedGen C3715165, MONDO:0014163, OMIM 615396.
Cardiomyopathy (CMYO). Also called: Cardiomyopathies. Identifiers: Orphanet 167848, MedGen C0878544, MONDO:0004994, HP:0001638. Inheritance: Various modes of inheritance.
Primary familial hypertrophic cardiomyopathy (HCM). Identifiers: Orphanet 99739, MedGen C0949658, MeSH D024741, MONDO:0024573. Inheritance: Various modes of inheritance.
Hypertrophic cardiomyopathy 4. Also called: Familial hypertrophic cardiomyopathy 4. Identifiers: MedGen C1861862, MONDO:0007268, OMIM 115197.
Hypertrophic cardiomyopathy. Also called: HYPERTROPHIC MYOCARDIOPATHY. Identifiers: Orphanet 217569, MedGen C0007194, MeSH D002312, MONDO:0005045, HP:0001639.

Allele frequency attached by ClinVar (database versions not stated): 1000 Genomes Project 30x 0.00016; gnomAD 0.00034 and 0.00035; TOPMed 0.00046; gnomAD exomes 0.00049; ESP Exome Variant Server 0.00065; ExAC 0.00078.

Submissions (20):

ClinGen Cardiomyopathy Variant Curation Expert Panel
Classification: Likely benign for Hypertrophic cardiomyopathy. Last evaluated: 2025-11-14. Review status: reviewed by expert panel. Criteria: ClinGen CMP ACMG Specifications MYBPC3 V1.0.0. Collection method: curation. Allele origin: germline. Inheritance: Autosomal dominant inheritance.
Comment: NM_000256.3(MYBPC3):c.1855G>A (p.Glu619Lys). This variant has been described in individuals with HCM and other cardiomyopathies (ClinVar Variation ID: 161303). This variant has also been detected in several genetic ancestry groups in gnomAD v2.1.0 (0.03% Grpmax Filtering AF (95% confidence) in the European population (BS1). This variant is not statistically increased compared to controls (lower 95% CI<5), therefore, the PS4 criterion has not been applied. Computational prediction tools and conservation analyses do not provide strong support for or against an impact to the protein. Allowing a variant to reach a likely benign classification based on BS1 alone represents a revision of the original ACMG/AMP framework by ClinGen’s Sequence Variant Interpretation Working Group (Tavtigian 2018 PMID: 29300386). In summary, this variant meets criteria to be classified as likely benign for cardiomyopathy in an autosomal dominant manner based on BS1.

CeGaT Center for Human Genetics Tuebingen
Classification: Likely benign. Last evaluated: 2026-04-01. Review status: criteria provided, single submitter. Criteria: CeGaT Center For Human Genetics Tuebingen Variant Classification Criteria Version 2. Collection method: clinical testing. Allele origin: germline. Affected: yes. Observed: 3 variant alleles. Not counted in ClinVar's aggregate classification.
Comment: MYBPC3: BP2, BP4

Women's Health and Genetics/Laboratory Corporation of America, LabCorp
Classification: Likely benign. Last evaluated: 2026-02-23. Review status: criteria provided, single submitter. Criteria: LabCorp Variant Classification Summary - May 2015. Collection method: clinical testing. Allele origin: germline. Not counted in ClinVar's aggregate classification.
Comment: Variant summary: MYBPC3 c.1855G>A (p.Glu619Lys) results in a conservative amino acid change located in the Immunoglobulin subtype domain (IPR003599) of the encoded protein sequence. Algorithms developed to predict the effect of missense changes on protein structure and function are either unavailable or do not agree on the potential impact of this missense change. The variant allele was found at a frequency of 0.00049 in 229814 control chromosomes, predominantly at a frequency of 0.00042 within the Non-Finnish European subpopulation in the gnomAD database. The observed variant frequency within Non-Finnish European control individuals in the gnomAD database exceeds the estimated maximal expected allele frequency for disease-causing variants in MYBPC3. c.1855G>A has been reported in individuals affected with both Dilated and Hypertrophic Cardiomyopathy (Chung_2007, Moller_2009, Kassem_2013, Brito_2012, Marsiglia_2013, Sousa_2019). Co-occurrences with other pathogenic variant(s) have been reported (MYBPC3, p.Ala558lysfsX9; MYBPC3 c.1505G>A , p.R502Q ; MYBPC3, p.L1221fs), providing supporting evidence for a benign role. To our knowledge, no experimental evidence demonstrating an impact on protein function has been reported. The following publications have been ascertained in the context of this evaluation (PMID: 22857948, 19659763, 23233322, 24093860, 21424860, 19293840, 30871747). ClinVar contains an entry for this variant (Variation ID: 161303). Based on the evidence outlined above, the variant was classified as likely benign.

Labcorp Genetics (formerly Invitae), Labcorp
Classification: Benign for Hypertrophic cardiomyopathy. Last evaluated: 2026-02-04. Review status: criteria provided, single submitter. Criteria: Invitae Variant Classification Sherloc (09022015). Collection method: clinical testing. Allele origin: germline. Not counted in ClinVar's aggregate classification.

Molecular Diagnostic Laboratory for Inherited Cardiovascular Disease, Montreal Heart Institute
Classification: Likely benign. Last evaluated: 2025-04-08. Review status: criteria provided, single submitter. Criteria: ACMG Guidelines, 2015. Collection method: clinical testing. Allele origin: germline. Affected: no. Not counted in ClinVar's aggregate classification.

GeneDx
Classification: Likely benign. Last evaluated: 2025-02-06. Review status: criteria provided, single submitter. Criteria: GeneDx Variant Classification Process June 2021. Collection method: clinical testing. Allele origin: germline. Affected: yes. Not counted in ClinVar's aggregate classification.
Comment: See Variant Classification Assertion Criteria.

Blueprint Genetics
Classification: Likely benign. Last evaluated: 2024-11-26. Review status: criteria provided, single submitter. Criteria: ACMG Guidelines, 2015. Collection method: clinical testing. Allele origin: germline. Not counted in ClinVar's aggregate classification.

Mendelics
Classification: Benign for Hypertrophic cardiomyopathy 4. Last evaluated: 2019-05-28. Review status: criteria provided, single submitter. Criteria: Mendelics Assertion Criteria 2017. Collection method: clinical testing. Allele origin: unknown. Not counted in ClinVar's aggregate classification.

Ambry Genetics
Classification: Likely benign for Cardiovascular phenotype. Last evaluated: 2018-11-29. Review status: criteria provided, single submitter. Criteria: Ambry Variant Classification Scheme 2023. Collection method: clinical testing. Allele origin: germline. Not counted in ClinVar's aggregate classification.

CHEO Genetics Diagnostic Laboratory, Children's Hospital of Eastern Ontario
Classification: Benign for Cardiomyopathy. Last evaluated: 2018-05-09. Review status: criteria provided, single submitter. Criteria: ACMG Guidelines, 2015. Collection method: clinical testing. Allele origin: germline. Not counted in ClinVar's aggregate classification.

Color Diagnostics, LLC DBA Color Health
Classification: Benign for Cardiomyopathy. Last evaluated: 2018-04-20. Review status: criteria provided, single submitter. Criteria: ACMG Guidelines, 2015. Collection method: clinical testing. Allele origin: germline. Not counted in ClinVar's aggregate classification.

Illumina Laboratory Services, Illumina
Classification: Uncertain significance for Hypertrophic cardiomyopathy 4. Last evaluated: 2017-04-27. Review status: criteria provided, single submitter. Criteria: ICSL Variant Classification Criteria 13 December 2019. Collection method: clinical testing. Allele origin: germline. Not counted in ClinVar's aggregate classification.
Comment: This variant was observed as part of a predisposition screen in an ostensibly healthy population. A literature search was performed for the gene, cDNA change, and amino acid change (where applicable). Publications were found based on this search. However, the evidence from the literature, in combination with allele frequency data from public databases where available, was not sufficient to rule this variant in or out of causing disease. Therefore, this variant is classified as a variant of unknown significance.

Illumina Laboratory Services, Illumina
Classification: Benign for Left ventricular noncompaction 10. Last evaluated: 2017-04-27. Review status: criteria provided, single submitter. Criteria: ICSL Variant Classification Criteria 13 December 2019. Collection method: clinical testing. Allele origin: germline. Not counted in ClinVar's aggregate classification.
Comment: This variant was observed as part of a predisposition screen in an ostensibly healthy population. A literature search was performed for the gene, cDNA change, and amino acid change (where applicable). Publications were found based on this search. The evidence from the literature, in combination with allele frequency data from public databases where available, was sufficient to rule this variant out of causing disease. Therefore, this variant is classified as benign.

Stanford Center for Inherited Cardiovascular Disease, Stanford University
Classification: Likely benign. Last evaluated: 2017-04-19. Review status: criteria provided, single submitter. Criteria: ACMG Guidelines, 2015. Collection method: provider interpretation. Allele origin: germline. Not counted in ClinVar's aggregate classification.

Laboratory for Molecular Medicine, Mass General Brigham Personalized Medicine
Classification: Likely benign. Last evaluated: 2015-06-26. Review status: criteria provided, single submitter. Criteria: LMM Criteria. Collection method: clinical testing. Allele origin: germline. Observed: 23 variant alleles. Not counted in ClinVar's aggregate classification.
Comment: p.Glu619Lys in exon 19 of MYBPC3: This variant has been previously identified i n >10 individuals with varying cardiomyopathies including DCM, HCM, LVNC, and WP W (Moller 2009, Frisso 2009, Brito 2012, Kassem 2013, LMM unpublished data); how ever, at least three of these individuals carry an additional disease-causing va riant. Furthermore, this variant did not segregate with disease in 3 affected re latives (LMM unpublished data, pers. comm.). This variant has also been identifi ed in 0.1% (41/30772) European chromosomes by the Exome Aggregation Consortium ( ExAC; dbSNP rs200352299). Lastly, glutamic acid (Glu) at position 619 is not conserved in mammals or evolutionarily distant spe cies and the change to lysine (Lys) was predicted to be benign using a computati onal tool clinically validated by our laboratory. This tool's benign prediction is estimated to be correct 89% of the time (Jordan 2011). In summary, the presen ce of this variant in different cardiomyopathies, non-segregation, and frequency in the general population support that this variant is likely benign.

Genetics and Genomics Program, Sidra Medicine
Classification: Likely benign for Hypertrophic cardiomyopathy. Review status: criteria provided, single submitter. Criteria: ACMG Guidelines, 2015. Collection method: research. Allele origin: unknown. Affected: yes. Observed: 1 variant allele. Not counted in ClinVar's aggregate classification.

PreventionGenetics, part of Exact Sciences
Classification: Benign for MYBPC3-related condition. Last evaluated: 2019-10-07. Review status: no assertion criteria provided. Collection method: clinical testing. Allele origin: germline. Not counted in ClinVar's aggregate classification.
Comment: This variant is classified as benign based on ACMG/AMP sequence variant interpretation guidelines (Richards et al. 2015 PMID: 25741868, with internal and published modifications).

Knight Diagnostic Laboratories, Oregon Health and Sciences University
Classification: Uncertain significance for Left ventricular noncompaction 10. Last evaluated: 2016-01-27. Review status: no assertion criteria provided. Criteria: ACMG Guidelines, 2015. Collection method: clinical testing. Allele origin: germline. Affected: no. Study: CSER-NextGen. Not counted in ClinVar's aggregate classification.

Knight Diagnostic Laboratories, Oregon Health and Sciences University
Classification: Uncertain significance for Hypertrophic cardiomyopathy 4. Last evaluated: 2016-01-27. Review status: no assertion criteria provided. Criteria: ACMG Guidelines, 2015. Collection method: clinical testing. Allele origin: germline. Affected: no. Study: CSER-NextGen. Not counted in ClinVar's aggregate classification.

CSER _CC_NCGL, University of Washington
Classification: Uncertain significance for Cardiomyopathy, hypertrophic. Last evaluated: 2014-06-01. Review status: no assertion criteria provided. Collection method: research. Allele origin: germline. Inheritance: Autosomal dominant inheritance. Study: ESP 6500 variant annotation. Not counted in ClinVar's aggregate classification.
Comment: Variants classified for the Actionable exomic incidental findings in 6503 participants: challenges of variant classification manuscript

Literature cited by the submitters: PubMed 19293840 (cited by 3 submitters); PubMed 21424860 (cited by Women's Health and Genetics/Laboratory Corporation of America, LabCorp); PubMed 19659763 (cited by 4 submitters); PubMed 23233322 (cited by 4 submitters); PubMed 22857948 (cited by 4 submitters); PubMed 24093860 (cited by 3 submitters); PubMed 30871747 (cited by Women's Health and Genetics/Laboratory Corporation of America, LabCorp); PubMed 26189708 (cited by Ambry Genetics).

NM_000256.3(MYBPC3):c.1855G>A (p.Glu619Lys)

Gene: MYBPC3 (myosin binding protein C3; minus strand). Cytogenetic location: 11p11.2.
Variant type: single nucleotide variant.
Coding change: c.1855G>A on transcript NM_000256.3 (MANE Select); coding-DNA position 1855, G replaced by A.
Protein change: p.Glu619Lys; replaces glutamic acid 619 with lysine.
Molecular consequence: missense variant.
Genome position (GRCh38, 1-based): chr11:47,341,180, C>T on the plus strand (G>A on the coding strand, the complement: MYBPC3 is on the minus strand). VCF-style: chr11-47341180-C-T. GRCh37 (hg19) VCF-style: chr11-47362731-C-T.
Other names: p.E619K:GAG>AAG; short protein forms E619K.
Identifiers: ClinVar variation 161303 (VCV000161303.53), dbSNP rs200352299, ClinGen allele CA011336.